The following is an entry in ClinVar:

NM_003906.5(MCM3AP):c.669C>T (p.Thr223=)

Gene: MCM3AP (minichromosome maintenance complex component 3 associated protein; minus strand). Cytogenetic location: 21q22.3.
Variant type: single nucleotide variant.
Coding change: c.669C>T on transcript NM_003906.5 (MANE Select); coding-DNA position 669, C replaced by T.
Protein change: p.Thr223=; no amino-acid change (threonine 223 retained).
Molecular consequence: synonymous variant.
Genome position (GRCh38, 1-based): chr21:46,284,618, G>A on the plus strand (C>T on the coding strand, the complement: MCM3AP is on the minus strand). VCF-style: chr21-46284618-G-A. GRCh37 (hg19) VCF-style: chr21-47704532-G-A.
Other names: c.669C>T (NM_003906.4).
Identifiers: ClinVar variation 1648436 (VCV001648436.9), dbSNP rs145135920, ClinGen allele CA10077302.

ClinVar aggregate classification (germline): Likely benign. Review status: criteria provided, multiple submitters, no conflicts (2 of 4 stars). 2 submissions from 2 submitters: Likely benign (2). Last evaluated 2026-01-20.

Conditions:
MCM3AP-related disorder. Also called: MCM3AP-related condition.

Allele frequency attached by ClinVar (database versions not stated): gnomAD exomes 0.00018 and 0.00086; ExAC 0.00020; gnomAD 0.00025 and 0.00026; TOPMed 0.00025; ESP Exome Variant Server 0.00031.
gnomAD v4.1: 1,254 of 1,613,980 alleles (0.078%); highest among the groups gnomAD compares: Non-Finnish European, 0.1%; 1 homozygote.

Submissions (2):

Labcorp Genetics (formerly Invitae), Labcorp
Classification: Likely benign. Last evaluated: 2026-01-20. Review status: criteria provided, single submitter. Criteria: Invitae Variant Classification Sherloc (09022015). Collection method: clinical testing. Allele origin: germline.

PreventionGenetics, part of Exact Sciences
Classification: Likely benign for MCM3AP-related condition. Last evaluated: 2026-01-06. Review status: criteria provided, single submitter. Criteria: ACMG Guidelines, 2015. Collection method: clinical testing. Allele origin: germline.
Comment: This variant is classified as likely benign based on ACMG/AMP sequence variant interpretation guidelines (Richards et al. 2015 PMID: 25741868, with internal and published modifications).